The following is an entry in ClinVar:

ClinVar aggregate classification (germline): Uncertain significance (1 of 4 stars; one submission).

Conditions:
Anterior segment dysgenesis. Also called: Ocular anterior segment dysgenesis. Identifiers: Orphanet 88632, MedGen C1862839, MONDO:0019503, HP:0007700.
Congenital primary aphakia. Also called: Anterior segment dysgenesis 2, multiple subtypes; ANTERIOR SEGMENT DYSGENESIS 2. Identifiers: Orphanet 83461, MedGen C1853230, MONDO:0012456, OMIM 610256.

Submission:

Labcorp Genetics (formerly Invitae), Labcorp
Classification: Uncertain significance for Anterior segment dysgenesis; Congenital primary aphakia. Last evaluated: 2023-08-14. Review status: criteria provided, single submitter. Criteria: Invitae Variant Classification Sherloc (09022015). Collection method: clinical testing. Allele origin: germline.
Comment: This sequence change replaces proline, which is neutral and non-polar, with glutamine, which is neutral and polar, at codon 112 of the FOXE3 protein (p.Pro112Gln). This variant is not present in population databases (gnomAD no frequency). This variant has not been reported in the literature in individuals affected with FOXE3-related conditions. Advanced modeling of protein sequence and biophysical properties (such as structural, functional, and spatial information, amino acid conservation, physicochemical variation, residue mobility, and thermodynamic stability) has been performed at Invitae for this missense variant, however the output from this modeling did not meet the statistical confidence thresholds required to predict the impact of this variant on FOXE3 protein function. In summary, the available evidence is currently insufficient to determine the role of this variant in disease. Therefore, it has been classified as a Variant of Uncertain Significance.

NM_012186.3(FOXE3):c.335C>A (p.Pro112Gln)

Genes: FOXE3 (forkhead box E3; plus strand), LINC01389 (long independently transcribed non-coding RNA 1389; minus strand). Cytogenetic location: 1p33.
Variant type: single nucleotide variant.
Coding change: c.335C>A on transcript NM_012186.3 (MANE Select); coding-DNA position 335, C replaced by A.
Protein change: p.Pro112Gln; replaces proline 112 with glutamine.
Molecular consequence: missense variant.
Genome position (GRCh38, 1-based): chr1:47,416,650, C>A. VCF-style: chr1-47416650-C-A. GRCh37 (hg19) VCF-style: chr1-47882322-C-A.
Other names: short protein forms P112Q.
Identifiers: ClinVar variation 2950976 (VCV002950976.3), dbSNP rs1646884487, ClinGen allele CA340249609.